The following is an entry in ClinVar:

NM_205861.3(DHDDS):c.620C>G (p.Ser207Cys)

Gene: DHDDS (dehydrodolichyl diphosphate synthase subunit; plus strand). Cytogenetic location: 1p36.11.
Variant type: single nucleotide variant.
Coding change: c.620C>G on transcript NM_205861.3 (MANE Select); coding-DNA position 620, C replaced by G.
Protein change: p.Ser207Cys; replaces serine 207 with cysteine.
Molecular consequence: missense variant.
Genome position (GRCh38, 1-based): chr1:26,457,868, C>G. VCF-style: chr1-26457868-C-G. GRCh37 (hg19) VCF-style: chr1-26784359-C-G.
Other names: c.518C>G, p.Ser173Cys (NM_001243564.2); c.503C>G, p.Ser168Cys (NM_001243565.2); c.341C>G, p.Ser114Cys (NM_001319959.2); c.620C>G, p.Ser207Cys (NM_024887.4); short protein forms S168C, S173C, S114C, S207C.
Identifiers: ClinVar variation 2703050 (VCV002703050.3), dbSNP rs2524686857, ClinGen allele CA339144779.
Genomic context (GRCh38, chr1:26,457,868, plus strand): 5'-TGCTTGATAAGTGCCTCTATACCAACCGCTCTCCTCATCCTGACATCTTGATACGGACTT[C>G]TGGAGAAGTGCGGCTGAGTGACTTCTTGCTATGGCAGGTAGGTCATTTCCAAGTACTATT-3'
Protein context (NP_995583.1, residues 197-217): SPHPDILIRT[Ser207Cys]GEVRLSDFLL

ClinVar aggregate classification (germline): Uncertain significance (1 of 4 stars; one submission).

Conditions:
Retinitis pigmentosa 59 (RP59). Identifiers: Orphanet 791, MedGen C3151227, MONDO:0013468, OMIM 613861.

Submission:

Labcorp Genetics (formerly Invitae), Labcorp
Classification: Uncertain significance for Retinitis pigmentosa 59. Last evaluated: 2023-12-21. Review status: criteria provided, single submitter. Criteria: Invitae Variant Classification Sherloc (09022015). Collection method: clinical testing. Allele origin: germline.
Comment: This sequence change replaces serine, which is neutral and polar, with cysteine, which is neutral and slightly polar, at codon 207 of the DHDDS protein (p.Ser207Cys). This variant is not present in population databases (gnomAD no frequency). This variant has not been reported in the literature in individuals affected with DHDDS-related conditions. Advanced modeling of protein sequence and biophysical properties (such as structural, functional, and spatial information, amino acid conservation, physicochemical variation, residue mobility, and thermodynamic stability) performed at Invitae indicates that this missense variant is expected to disrupt DHDDS protein function with a positive predictive value of 80%. In summary, the available evidence is currently insufficient to determine the role of this variant in disease. Therefore, it has been classified as a Variant of Uncertain Significance.